The following is an entry in ClinVar:

ClinVar aggregate classification (germline): Uncertain significance. Review status: criteria provided, multiple submitters, no conflicts (2 of 4 stars). 2 submissions from 2 submitters: Uncertain significance (2). Last evaluated 2023-07-17.

Conditions:
Alstrom syndrome (ALMS). Identifiers: Orphanet 64, MedGen C0268425, MONDO:0008763, OMIM 203800.
Cardiovascular phenotype. Identifiers: MedGen CN230736.

Allele frequency attached by ClinVar (database versions not stated): gnomAD exomes below 0.00001; TOPMed below 0.00001; ExAC 0.00001.
gnomAD v4.1: 1 of 1,614,084 alleles (0.000062%); highest among the groups gnomAD compares: Non-Finnish European, 0.000085%; no homozygotes.

Submissions (2):

Labcorp Genetics (formerly Invitae), Labcorp
Classification: Uncertain significance for Alstrom syndrome. Last evaluated: 2023-07-17. Review status: criteria provided, single submitter. Criteria: Invitae Variant Classification Sherloc (09022015). Collection method: clinical testing. Allele origin: germline.
Comment: This sequence change replaces glycine, which is neutral and non-polar, with arginine, which is basic and polar, at codon 3168 of the ALMS1 protein (p.Gly3168Arg). In summary, the available evidence is currently insufficient to determine the role of this variant in disease. Therefore, it has been classified as a Variant of Uncertain Significance. Experimental studies and prediction algorithms are not available or were not evaluated, and the functional significance of this variant is currently unknown. ClinVar contains an entry for this variant (Variation ID: 1447758). This variant has not been reported in the literature in individuals affected with ALMS1-related conditions. This variant is present in population databases (rs746440819, gnomAD 0.007%).

Ambry Genetics
Classification: Uncertain significance for Cardiovascular phenotype. Last evaluated: 2019-03-26. Review status: criteria provided, single submitter. Criteria: Ambry Variant Classification Scheme 2023. Collection method: clinical testing. Allele origin: germline.
Comment: The p.G3168R variant (also known as c.9502G>A), located in coding exon 10 of the ALMS1 gene, results from a G to A substitution at nucleotide position 9502. The glycine at codon 3168 is replaced by arginine, an amino acid with dissimilar properties. This amino acid position is not well conserved in available vertebrate species. In addition, this alteration is predicted to be tolerated by in silico analysis. Since supporting evidence is limited at this time, the clinical significance of this alteration remains unclear.

NM_001378454.1(ALMS1):c.9499G>A (p.Gly3167Arg)

Gene: ALMS1 (ALMS1 centrosome and basal body associated protein; plus strand). Cytogenetic location: 2p13.1.
Variant type: single nucleotide variant.
Coding change: c.9499G>A on transcript NM_001378454.1 (MANE Select); coding-DNA position 9499, G replaced by A.
Protein change: p.Gly3167Arg; replaces glycine 3167 with arginine.
Molecular consequence: missense variant.
Genome position (GRCh38, 1-based): chr2:73,491,458, G>A. VCF-style: chr2-73491458-G-A. GRCh37 (hg19) VCF-style: chr2-73718585-G-A.
Other names: c.9502G>A, p.Gly3168Arg (NM_015120.4); short protein forms G3168R, G3167R.
Identifiers: ClinVar variation 1447758 (VCV001447758.8), dbSNP rs746440819, ClinGen allele CA1714672.
Genomic context (GRCh38, chr2:73,491,458, plus strand): 5'-TCTCAGAATAGCCAGATAGTAACCTCCAGGCAAATACAAGTGAACATTTCAGATTTCGAA[G>A]GACATTCCAATCCAGAGGGGACCCCAGTATTTGCAGATCGGTGAGTCTCATTGTGATAAC-3'
Protein context (NP_001365383.1, residues 3157-3177): QIQVNISDFE[Gly3167Arg]HSNPEGTPVF